The following is an entry in ClinVar:

ClinVar aggregate classification (germline): Uncertain significance (1 of 4 stars; one submission).

gnomAD v4.1: 1 of 1,610,716 alleles (0.000062%); highest among the groups gnomAD compares: Non-Finnish European, 0.000085%; no homozygotes.

Submission:

GeneDx
Classification: Uncertain significance. Last evaluated: 2025-07-15. Review status: criteria provided, single submitter. Criteria: GeneDx Variant Classification Process June 2021. Collection method: clinical testing. Allele origin: germline. Affected: yes.
Comment: Not observed at significant frequency in large population cohorts (gnomAD); In silico analysis supports that this missense variant has a deleterious effect on protein structure/function; Has not been previously published as pathogenic or benign to our knowledge

NM_022124.6(CDH23):c.4791G>C (p.Gln1597His)

Gene: CDH23 (cadherin related 23; plus strand). Cytogenetic location: 10q22.1.
Variant type: single nucleotide variant.
Coding change: c.4791G>C on transcript NM_022124.6 (MANE Select); coding-DNA position 4791, G replaced by C.
Protein change: p.Gln1597His; replaces glutamine 1597 with histidine.
Molecular consequence: missense variant.
Genome position (GRCh38, 1-based): chr10:71,741,867, G>C. VCF-style: chr10-71741867-G-C. GRCh37 (hg19) VCF-style: chr10-73501624-G-C.
Other names: short protein forms Q1597H.
Identifiers: ClinVar variation 4686261 (VCV004686261.1).